The following is an entry in ClinVar:

ClinVar aggregate classification (germline): Uncertain significance (1 of 4 stars; one submission).

Submission:

Labcorp Genetics (formerly Invitae), Labcorp
Classification: Uncertain significance. Last evaluated: 2024-05-02. Review status: criteria provided, single submitter. Criteria: Invitae Variant Classification Sherloc (09022015). Collection method: clinical testing. Allele origin: germline.
Comment: This sequence change replaces methionine, which is neutral and non-polar, with isoleucine, which is neutral and non-polar, at codon 1273 of the ASXL2 protein (p.Met1273Ile). This variant is not present in population databases (gnomAD no frequency). This variant has not been reported in the literature in individuals affected with ASXL2-related conditions. ClinVar contains an entry for this variant (Variation ID: 1384509). Advanced modeling of protein sequence and biophysical properties (such as structural, functional, and spatial information, amino acid conservation, physicochemical variation, residue mobility, and thermodynamic stability) performed at Invitae indicates that this missense variant is not expected to disrupt ASXL2 protein function with a negative predictive value of 80%. In summary, the available evidence is currently insufficient to determine the role of this variant in disease. Therefore, it has been classified as a Variant of Uncertain Significance.

NM_018263.6(ASXL2):c.3819G>A (p.Met1273Ile)

Gene: ASXL2 (ASXL transcriptional regulator 2; minus strand). Cytogenetic location: 2p23.3.
Variant type: single nucleotide variant.
Coding change: c.3819G>A on transcript NM_018263.6 (MANE Select); coding-DNA position 3819, G replaced by A.
Protein change: p.Met1273Ile; replaces methionine 1273 with isoleucine.
Molecular consequence: missense variant.
Genome position (GRCh38, 1-based): chr2:25,742,518, C>T on the plus strand (G>A on the coding strand, the complement: ASXL2 is on the minus strand). VCF-style: chr2-25742518-C-T. GRCh37 (hg19) VCF-style: chr2-25965387-C-T.
Other names: c.3645G>A, p.Met1215Ile (NM_001369346.1); c.3039G>A, p.Met1013Ile (NM_001369347.1); short protein forms M1013I, M1215I, M1273I.
Identifiers: ClinVar variation 1384509 (VCV001384509.6), dbSNP rs2149135831, ClinGen allele CA346075847.